The following is an entry in ClinVar:

ClinVar aggregate classification (germline): Uncertain significance (1 of 4 stars; one submission).

gnomAD v4.1: 3 of 1,613,882 alleles (0.00019%); highest among the groups gnomAD compares: East Asian, 0.0067%; no homozygotes.

Submission:

Labcorp Genetics (formerly Invitae), Labcorp
Classification: Uncertain significance. Last evaluated: 2026-01-24. Review status: criteria provided, single submitter. Criteria: Invitae Variant Classification Sherloc (09022015). Collection method: clinical testing. Allele origin: germline.
Comment: This sequence change replaces alanine, which is neutral and non-polar, with serine, which is neutral and polar, at codon 498 of the DLC1 protein (p.Ala498Ser). This variant is not present in population databases (gnomAD no frequency). This variant has not been reported in the literature in individuals affected with DLC1-related conditions. An algorithm developed to predict the effect of missense changes on protein structure and function (PolyPhen-2) suggests that this variant is likely to be disruptive. In summary, the available evidence is currently insufficient to determine the role of this variant in disease. Therefore, it has been classified as a Variant of Uncertain Significance.

NM_182643.3(DLC1):c.1492G>T (p.Ala498Ser)

Gene: DLC1 (DLC1 Rho GTPase activating protein; minus strand). Cytogenetic location: 8p22.
Variant type: single nucleotide variant.
Coding change: c.1492G>T on transcript NM_182643.3 (MANE Select); coding-DNA position 1492, G replaced by T.
Protein change: p.Ala498Ser; replaces alanine 498 with serine.
Molecular consequence: missense variant. On other transcripts: 5 prime UTR variant (8), intron variant (3).
Genome position (GRCh38, 1-based): chr8:13,110,752, C>A on the plus strand (G>T on the coding strand, the complement: DLC1 is on the minus strand). VCF-style: chr8-13110752-C-A. GRCh37 (hg19) VCF-style: chr8-12968261-C-A.
Other names: c.-279G>T (NM_001413133.1, NM_001413138.1); c.181G>T, p.Ala61Ser (NM_001413135.1, NM_001413136.1, NM_001413139.1 and 1 more transcripts); c.-5G>T (NM_001413137.1, NM_001413131.1); c.316G>T, p.Ala106Ser (NM_001413140.1); c.-32+4834G>T (NM_001348082.2, NM_001413128.1, NM_001348084.2); c.-42G>T (NM_001164271.2, NM_001348083.1, NM_001413126.1 and 1 more transcripts); c.283G>T, p.Ala95Ser (NM_001316668.2, NM_001413129.1); c.1492G>T, p.Ala498Ser (NM_001348081.2, NM_001413124.1); and 2 more; short protein forms A106S, A498S, A95S, A140S, A61S, A92S.
Identifiers: ClinVar variation 4781685 (VCV004781685.1).
Genomic context (GRCh38, chr8:13,110,752, plus strand): 5'-TGTGTTCTTAAAAAATAAAAAAGGAAAACACTCAAAACGTGTCCATTTACCTGCATAGAG[C>A]CTCAATGGCATCTCTGTCCAAAAAATCATGCTCTCTCTTGACCAAGGAAATATCGATGGG-3'
Protein context (NP_872584.2, residues 488-508): HDFLDRDAIE[Ala498Ser]LCRRLNTLNK